The following is an entry in ClinVar:

NM_001365999.1(SZT2):c.8473_8475del (p.Ser2825del)

Gene: SZT2 (SZT2 subunit of KICSTOR complex; plus strand). Cytogenetic location: 1p34.2.
Variant type: Deletion.
Coding change: c.8473_8475del on transcript NM_001365999.1 (MANE Select); coding-DNA positions 8473 to 8475, 3 bases deleted (TCT; older notation c.8473_8475delTCT).
Protein change: p.Ser2825del; deletes serine 2825.
Molecular consequence: inframe deletion.
Genome position (GRCh38, 1-based): chr1:43,443,241-43,443,243, TCT deleted; deleting any 3 consecutive bases within chr1:43,443,240-43,443,243 gives the same sequence; the c. name uses the placement nearest the transcript's 3' end. VCF-style (leftmost placement, unchanged base first): chr1-43443239-GTTC-G. GRCh37 (hg19) VCF-style: chr1-43908910-GTTC-G.
Other names: c.8302_8304del, p.Ser2768del (NM_015284.4); short protein forms S2768del, S2825del.
Identifiers: ClinVar variation 3603087 (VCV003603087.1).
Genomic context (GRCh38, chr1:43,443,239, plus strand): 5'-AACCCTCAGAGCTGGAGCGCCAGATGAAGATGGAAAACCTGTTTGTAACCTGGCAGCAGC[GTTC>G]TACCCCAGCCACCATGCCCATCAGTGTGAGTGACCCCAGCTTGCATCTTCCTTGAGTATC-3'

ClinVar aggregate classification (germline): Uncertain significance (1 of 4 stars; one submission).

Submission:

GeneDx
Classification: Uncertain significance. Last evaluated: 2024-08-09. Review status: criteria provided, single submitter. Criteria: GeneDx Variant Classification Process June 2021. Collection method: clinical testing. Allele origin: germline. Affected: yes.
Comment: Not observed at significant frequency in large population cohorts (gnomAD); In-frame deletion of 1 amino acid in a non-repeat region; In silico analysis supports a deleterious effect on protein structure/function; Has not been previously published as pathogenic or benign to our knowledge